The following is an entry in ClinVar:

ClinVar aggregate classification (germline): Uncertain significance (1 of 4 stars; one submission).

Conditions:
Ullrich congenital muscular dystrophy 2 (UCMD2). Identifiers: Orphanet 75840, MedGen C4225314, MONDO:0014654, OMIM 616470.
Bethlem myopathy 2 (BTHLM2). Identifiers: Orphanet 536516, Orphanet 610, MedGen C4225313, MONDO:0034022, OMIM 616471.

Allele frequency attached by ClinVar (database versions not stated): gnomAD exomes below 0.00001.
gnomAD v4.1: 1 of 1,606,334 alleles (0.000062%); highest among the groups gnomAD compares: Non-Finnish European, 0.000085%; no homozygotes.

Submission:

Labcorp Genetics (formerly Invitae), Labcorp
Classification: Uncertain significance for Bethlem myopathy 2; Ullrich congenital muscular dystrophy 2. Last evaluated: 2020-08-25. Review status: criteria provided, single submitter. Criteria: Invitae Variant Classification Sherloc (09022015). Collection method: clinical testing. Allele origin: germline.
Comment: In summary, the available evidence is currently insufficient to determine the role of this variant in disease. Therefore, it has been classified as a Variant of Uncertain Significance. Algorithms developed to predict the effect of missense changes on protein structure and function output the following: SIFT: "Tolerated"; PolyPhen-2: "Benign"; Align-GVGD: "Class C0". The methionine amino acid residue is found in multiple mammalian species, suggesting that this missense change does not adversely affect protein function. These predictions have not been confirmed by published functional studies and their clinical significance is uncertain. This variant has not been reported in the literature in individuals with COL12A1-related conditions. This variant is not present in population databases (ExAC no frequency). This sequence change replaces isoleucine with methionine at codon 2081 of the COL12A1 protein (p.Ile2081Met). The isoleucine residue is moderately conserved and there is a small physicochemical difference between isoleucine and methionine.

NM_004370.6(COL12A1):c.6243A>G (p.Ile2081Met)

Gene: COL12A1 (collagen type XII alpha 1 chain; minus strand). Cytogenetic location: 6q13.
Variant type: single nucleotide variant.
Coding change: c.6243A>G on transcript NM_004370.6 (MANE Select); coding-DNA position 6243, A replaced by G.
Protein change: p.Ile2081Met; replaces isoleucine 2081 with methionine.
Molecular consequence: missense variant.
Genome position (GRCh38, 1-based): chr6:75,128,393, T>C on the plus strand (A>G on the coding strand, the complement: COL12A1 is on the minus strand). VCF-style: chr6-75128393-T-C. GRCh37 (hg19) VCF-style: chr6-75838109-T-C.
Other names: c.2751A>G, p.Ile917Met (NM_080645.3); short protein forms I2081M, I917M.
Identifiers: ClinVar variation 1020254 (VCV001020254.9), dbSNP rs1766123299, ClinGen allele CA364730478.